The following is an entry in ClinVar:

NM_001110556.2(FLNA):c.2893G>A (p.Val965Ile)

Gene: FLNA (filamin A; minus strand). Cytogenetic location: Xq28.
Variant type: single nucleotide variant.
Coding change: c.2893G>A on transcript NM_001110556.2 (MANE Select); coding-DNA position 2893, G replaced by A.
Protein change: p.Val965Ile; replaces valine 965 with isoleucine.
Molecular consequence: missense variant.
Genome position (GRCh38, 1-based): chrX:154,361,721, C>T on the plus strand (G>A on the coding strand, the complement: FLNA is on the minus strand). VCF-style: chrX-154361721-C-T. GRCh37 (hg19) VCF-style: chrX-153590089-C-T.
Other names: c.2893G>A, p.Val965Ile (NM_001456.4); short protein forms V965I.
Identifiers: ClinVar variation 1314204 (VCV001314204.2), dbSNP rs2148113727, ClinGen allele CA415231572.

ClinVar aggregate classification (germline): Uncertain significance (1 of 4 stars; one submission).

Submission:

GeneDx
Classification: Uncertain significance. Last evaluated: 2021-04-08. Review status: criteria provided, single submitter. Criteria: GeneDx Variant Classification Process June 2021. Collection method: clinical testing. Allele origin: germline. Affected: yes.
Comment: Not observed in large population cohorts (Lek et al., 2016); In silico analysis supports that this missense variant does not alter protein structure/function; Has not been previously published as pathogenic or benign to our knowledge